The following is an entry in ClinVar:

NM_001291415.2(KDM6A):c.3267G>A (p.Gln1089=)

Gene: KDM6A (lysine demethylase 6A; plus strand). Cytogenetic location: Xp11.3.
Variant type: single nucleotide variant.
Coding change: c.3267G>A on transcript NM_001291415.2 (MANE Select); coding-DNA position 3267, G replaced by A.
Protein change: p.Gln1089=; no amino-acid change (glutamine 1089 retained).
Molecular consequence: synonymous variant. On other transcripts: non-coding transcript variant (1).
Genome position (GRCh38, 1-based): chrX:45,079,318, G>A. VCF-style: chrX-45079318-G-A. GRCh37 (hg19) VCF-style: chrX-44938563-G-A.
Other names: p.Gln1037=; c.3132G>A, p.Gln1044= (NM_001291416.2); c.2976G>A, p.Gln992= (NM_001291417.2); c.2874G>A, p.Gln958= (NM_001291418.2); c.2223G>A, p.Gln741= (NM_001291421.2); c.3111G>A, p.Gln1037= (NM_021140.4).
Identifiers: ClinVar variation 158689 (VCV000158689.31), dbSNP rs20539, ClinGen allele CA172358.

ClinVar aggregate classification (germline): Benign. Review status: criteria provided, multiple submitters, no conflicts (2 of 4 stars). 12 submissions from 12 submitters: Benign (10). 2 of the submissions do not count toward it. Last evaluated 2026-02-04.

Conditions:
Kabuki syndrome 2 (KABUK2). Also called: KDM6A-Related Kabuki Syndrome. Identifiers: Orphanet 2322, MedGen C3275495, MONDO:0010465, OMIM 300867.

Allele frequency attached by ClinVar (database versions not stated): ESP Exome Variant Server 0.13197; gnomAD 0.16047 and 0.16824; TOPMed 0.18225; gnomAD exomes 0.20016 and 0.25182; 1000 Genomes Project 30x 0.22144; 1000 Genomes Project 0.22172; ExAC 0.23837.
gnomAD v4.1: 234,979 of 1,189,505 alleles (20%); highest among the groups gnomAD compares: Admixed American, 48%; 18,401 homozygotes.

Submissions (12):

Labcorp Genetics (formerly Invitae), Labcorp
Classification: Benign for Kabuki syndrome 2. Last evaluated: 2026-02-04. Review status: criteria provided, single submitter. Criteria: Invitae Variant Classification Sherloc (09022015). Collection method: clinical testing. Allele origin: germline.

Blueprint Genetics
Classification: Benign. Last evaluated: 2024-11-28. Review status: criteria provided, single submitter. Criteria: ACMG Guidelines, 2015. Collection method: clinical testing. Allele origin: germline.

Unidad de Genómica Garrahan, Hospital de Pediatría Garrahan
Classification: Benign. Last evaluated: 2024-01-24. Review status: criteria provided, single submitter. Criteria: ACMG Guidelines, 2015. Collection method: clinical testing. Allele origin: germline. Affected: no. Observed: 43 variant alleles.
Comment: This variant is classified as Benign based on local population frequency. This variant was detected in 45% of patients studied by a panel of primary immunodeficiencies. Number of patients: 43. Only high quality variants are reported.

Mayo Clinic Laboratories, Mayo Clinic
Classification: Benign. Last evaluated: 2022-10-21. Review status: criteria provided, single submitter. Criteria: ACMG Guidelines, 2015. Collection method: clinical testing. Allele origin: germline. Observed: 163 variant alleles.

Genome-Nilou Lab
Classification: Benign for Kabuki syndrome 2. Last evaluated: 2021-08-19. Review status: criteria provided, single submitter. Criteria: ACMG Guidelines, 2015. Collection method: clinical testing. Allele origin: germline. Affected: no.

GeneDx
Classification: Benign. Last evaluated: 2018-07-27. Review status: criteria provided, single submitter. Criteria: GeneDx Variant Classification Process June 2021. Collection method: clinical testing. Allele origin: germline. Affected: yes.

Eurofins Ntd Llc (ga)
Classification: Benign. Last evaluated: 2016-03-22. Review status: criteria provided, single submitter. Criteria: EGL Classification Definitions 2015. Collection method: clinical testing. Allele origin: germline. Observed: 45 variant alleles, 21 heterozygotes, 7 homozygotes, 17 hemizygotes.

Genetic Services Laboratory, University of Chicago
Classification: Benign. Last evaluated: 2013-08-01. Review status: criteria provided, single submitter. Criteria: ACMG Guidelines, 2007. Collection method: clinical testing. Allele origin: germline.

Breakthrough Genomics
Classification: Benign. Review status: criteria provided, single submitter. Criteria: ACMG Guidelines, 2015. Collection method: not provided. Allele origin: germline. Inheritance: X-linked inheritance. Affected: yes.

PreventionGenetics, part of Exact Sciences
Classification: Benign. Review status: criteria provided, single submitter. Criteria: ACMG Guidelines, 2015. Collection method: clinical testing. Allele origin: germline.

Diagnostic Laboratory, Department of Genetics, University Medical Center Groningen
Classification: Benign. Review status: no assertion criteria provided. Collection method: clinical testing. Allele origin: germline. Affected: yes. Study: VKGL Data-share Consensus. Not counted in ClinVar's aggregate classification.

Joint Genome Diagnostic Labs from Nijmegen and Maastricht, Radboudumc and MUMC+
Classification: Benign. Review status: no assertion criteria provided. Collection method: clinical testing. Allele origin: germline. Affected: yes. Study: VKGL Data-share Consensus. Not counted in ClinVar's aggregate classification.